The following is an entry in ClinVar:

NM_001543.5(NDST1):c.1831G>A (p.Gly611Ser)

Gene: NDST1 (N-deacetylase and N-sulfotransferase 1; plus strand). Cytogenetic location: 5q33.1.
Variant type: single nucleotide variant.
Coding change: c.1831G>A on transcript NM_001543.5 (MANE Select); coding-DNA position 1831, G replaced by A.
Protein change: p.Gly611Ser; replaces glycine 611 with serine.
Molecular consequence: missense variant.
Genome position (GRCh38, 1-based): chr5:150,541,651, G>A. VCF-style: chr5-150541651-G-A. GRCh37 (hg19) VCF-style: chr5-149921213-G-A.
Other names: c.1831G>A, p.Gly611Ser (NM_001301063.2); short protein forms G611S.
Identifiers: ClinVar variation 161412 (VCV000161412.41), dbSNP rs606231459, ClinGen allele CA174008.
Genomic context (GRCh38, chr5:150,541,651, plus strand): 5'-CACAAAGACATCTGGTCCAAGGAGAAGACGTGTGACCGCTTCCCAAAGCTCCTCATCATC[G>A]GCCCCCAGAAAACAGGCAGGTCTCTCTGCTCTTGACCGAGCTTCCCCAACTGCCTGCTGT-3'
Protein context (NP_001534.1, residues 601-621): CDRFPKLLII[Gly611Ser]PQKTGTTALY

ClinVar aggregate classification (germline): Pathogenic/Likely pathogenic. Review status: criteria provided, multiple submitters, no conflicts (2 of 4 stars). 14 submissions from 14 submitters: Pathogenic (5); Likely pathogenic (8). 1 of the submissions does not count toward it. Last evaluated 2025-05-28.

Conditions:
NDST1-related disorders.
Intellectual developmental disorder, autosomal recessive 46. Also called: Intellectual disability, autosomal recessive 46. Identifiers: Orphanet 88616, MedGen C4015283, MONDO:0014499, OMIM 616116.
Global developmental delay (DD). Also called: Cognitive delay. Identifiers: MedGen C0557874, HP:0001263. Disease mechanism: loss of function.

Allele frequency attached by ClinVar (database versions not stated): ExAC 0.00001; gnomAD 0.00001; gnomAD exomes 0.00001.
gnomAD v4.1: 18 of 1,613,932 alleles (0.0011%); highest among the groups gnomAD compares: Non-Finnish European, 0.0015%; no homozygotes.

Submissions (14):

Dasa
Classification: Likely pathogenic. Last evaluated: 2025-05-28. Review status: criteria provided, single submitter. Criteria: DASA Assertion Criteria. Collection method: clinical testing. Allele origin: germline.
Comment: NM_001543.5(NDST1):c.1831G>A (p.Gly611Ser) is a missense variant that results in the substitution of glycine with serine. This variant has been recurrently observed in individuals with NDST1-related disorders (PMID: 25125150; PMID: 27620904). Also, this variant is rare in population databases. Computational evidence supports a deleterious effect. Based on the currently available evidence, this variant is classified as likely pathogenic.

Labcorp Genetics (formerly Invitae), Labcorp
Classification: Likely pathogenic. Last evaluated: 2025-03-31. Review status: criteria provided, single submitter. Criteria: Invitae Variant Classification Sherloc (09022015). Collection method: clinical testing. Allele origin: germline.
Comment: This sequence change replaces glycine, which is neutral and non-polar, with serine, which is neutral and polar, at codon 611 of the NDST1 protein (p.Gly611Ser). This variant is present in population databases (rs606231459, gnomAD 0.002%). This missense change has been observed in individuals with clinical features of intellectual disability (PMID: 25125150, 27620904; internal data). ClinVar contains an entry for this variant (Variation ID: 161412). Invitae Evidence Modeling of protein sequence and biophysical properties (such as structural, functional, and spatial information, amino acid conservation, physicochemical variation, residue mobility, and thermodynamic stability) indicates that this missense variant is expected to disrupt NDST1 protein function with a positive predictive value of 80%. In summary, the currently available evidence indicates that the variant is pathogenic, but additional data are needed to prove that conclusively. Therefore, this variant has been classified as Likely Pathogenic.

3billion
Classification: Pathogenic for Intellectual developmental disorder, autosomal recessive 46. Last evaluated: 2025-03-14. Review status: criteria provided, single submitter. Criteria: ACMG Guidelines, 2015. Collection method: clinical testing. Allele origin: germline. Affected: yes.
Comment: The variant is observed at an extremely low frequency in the gnomAD v4.1.0 dataset (total allele frequency: 0.001%). Predicted Consequence/Location: Missense variant. In silico tool predictions suggest damaging effect of the variant on gene or gene product [REVEL: 0.92 (>=0.6, sensitivity 0.68 and specificity 0.92); 3Cnet: 0.82 (> 0.75, sensitivity 0.96 and precision 0.92)].The same nucleotide change resulting in the same amino acid change has been previously reported as pathogenic/likely pathogenic with strong evidence (ClinVar ID: VCV000161412 / PMID: 25125150 / 3billion dataset). The variant has been reported to be in trans with a pathogenic variant as either compound heterozygous or homozygous in at least one similarly affected unrelated individual (PMID: 25125150 / 3billion dataset). The variant has been reported to co-segregate with the disease in at least one similarly affected relative/individual in the same family or similarly affected unrelated families (PMID: 25125150). Therefore, this variant is classified as Pathogenic according to the recommendation of ACMG/AMP guideline.

Blueprint Genetics
Classification: Pathogenic for NDST1-related disorders. Last evaluated: 2024-10-21. Review status: criteria provided, single submitter. Criteria: ACMG Guidelines, 2015. Collection method: clinical testing. Allele origin: germline. Affected: yes. Observed: 5 variant alleles.

CeGaT Center for Human Genetics Tuebingen
Classification: Likely pathogenic. Last evaluated: 2023-12-01. Review status: criteria provided, single submitter. Criteria: CeGaT Center For Human Genetics Tuebingen Variant Classification Criteria Version 2. Collection method: clinical testing. Allele origin: germline. Affected: yes. Observed: 3 variant alleles.
Comment: NDST1: PM1, PM2, PM3, PP3

Equipe Genetique des Anomalies du Developpement, Université de Bourgogne
Classification: Pathogenic for Intellectual developmental disorder, autosomal recessive 46. Last evaluated: 2023-11-02. Review status: criteria provided, single submitter. Criteria: ACMG Guidelines, 2015. Collection method: clinical testing. Allele origin: germline. Affected: yes.

GeneDx
Classification: Likely pathogenic. Last evaluated: 2023-06-21. Review status: criteria provided, single submitter. Criteria: GeneDx Variant Classification Process June 2021. Collection method: clinical testing. Allele origin: germline. Affected: yes.
Comment: Not observed at significant frequency in large population cohorts (gnomAD); In silico analysis supports that this missense variant has a deleterious effect on protein structure/function; This variant is associated with the following publications: (PMID: 25125150, 31589614, 27870114, 27620904, 35887114)

Centre of Medical Genetics, University Hospital Muenster
Classification: Likely pathogenic. Last evaluated: 2022-10-20. Review status: criteria provided, single submitter. Criteria: ACMG Guidelines, 2015. Collection method: clinical testing. Allele origin: unknown. Affected: yes. Observed: 1 variant allele, 1 homozygote.
Comment: ACMG categories: PM2,PM3,PP3,PP5

Revvity Omics, Revvity
Classification: Likely pathogenic for Intellectual developmental disorder, autosomal recessive 46. Last evaluated: 2022-05-16. Review status: criteria provided, single submitter. Criteria: ACMG Guidelines, 2015. Collection method: clinical testing. Allele origin: germline.

MGZ Medical Genetics Center
Classification: Likely pathogenic for Intellectual developmental disorder, autosomal recessive 46. Last evaluated: 2022-03-11. Review status: criteria provided, single submitter. Criteria: ACMG Guidelines, 2015. Collection method: clinical testing. Allele origin: germline. Affected: yes. Observed: 1 variant allele.
Comment: ACMG criteria applied: PS4_MOD, PM3, PM1_SUP, PM2_SUP, PP3

Human Genetics Bochum, Ruhr University Bochum
Classification: Likely pathogenic for Global developmental delay. Last evaluated: 2022-02-16. Review status: criteria provided, single submitter. Criteria: ACMG Guidelines, 2015. Collection method: clinical testing. Allele origin: germline. Affected: yes.
Comment: ACMG criteria used to clasify this variant: PS4, PM1, PM2_SUP, PP3

Women's Health and Genetics/Laboratory Corporation of America, LabCorp
Classification: Pathogenic for Mental retardation, autosomal recessive 46. Last evaluated: 2020-12-03. Review status: criteria provided, single submitter. Criteria: LabCorp Variant Classification Summary - May 2015. Collection method: clinical testing. Allele origin: germline.
Comment: Variant summary: NDST1 c.1831G>A (p.Gly611Ser) results in a non-conservative amino acid change located in the Sulfotransferase domain (IPR000863) of the encoded protein sequence. Five of five in-silico tools predict a damaging effect of the variant on protein function. The variant allele was found at a frequency of 8e-06 in 250738 control chromosomes (gnomAD). c.1831G>A has been reported in the literature as a homozygous mutation in multiple individuals affected with intellectual disability (e.g. Reuter_2014, Martinez_2017). These data indicate that the variant is very likely to be associated with disease. To our knowledge, no experimental evidence demonstrating an impact on protein function has been reported. One ClinVar submitter (evaluation after 2014) cites the variant as likely pathogenic. Based on the evidence outlined above, the variant was classified as pathogenic.

Laboratoire de Génétique Moléculaire, CHU Bordeaux
Classification: Pathogenic. Review status: criteria provided, single submitter. Criteria: ACMG Guidelines, 2015. Collection method: clinical testing. Allele origin: germline. Affected: yes.

OMIM
Classification: Pathogenic for INTELLECTUAL DEVELOPMENTAL DISORDER, AUTOSOMAL RECESSIVE 46. Last evaluated: 2014-11-01. Review status: no assertion criteria provided. Collection method: literature only. Allele origin: germline. Not counted in ClinVar's aggregate classification.

Literature cited by the submitters: PubMed 25125150 (cited by 5 submitters); PubMed 27620904 (cited by 3 submitters); PubMed 27870114 (cited by Women's Health and Genetics/Laboratory Corporation of America, LabCorp).